The following is an entry in ClinVar:

NM_000395.3(CSF2RB):c.1267G>A (p.Gly423Arg)

Gene: CSF2RB (colony stimulating factor 2 receptor subunit beta; plus strand). Cytogenetic location: 22q12.3.
Variant type: single nucleotide variant.
Coding change: c.1267G>A on transcript NM_000395.3 (MANE Select); coding-DNA position 1267, G replaced by A.
Protein change: p.Gly423Arg; replaces glycine 423 with arginine.
Molecular consequence: missense variant.
Genome position (GRCh38, 1-based): chr22:36,933,946, G>A. VCF-style: chr22-36933946-G-A. GRCh37 (hg19) VCF-style: chr22-37329988-G-A.
Other names: short protein forms G423R.
Identifiers: ClinVar variation 619290 (VCV000619290.1), dbSNP rs370411972, ClinGen allele CA10213760.
Genomic context (GRCh38, chr22:36,933,946, plus strand): 5'-GAGCCCTCCACCAGGTACTGGGCCAGGGTGAGGGTCAGGACCTCCCGCACCGGCTACAAC[G>A]GGATCTGGAGCGAGTGGAGTGAGGCGCGCTCCTGGGACACCGAGTCGGGTAGGTGAAGGC-3'
Protein context (NP_000386.1, residues 413-433): RVRTSRTGYN[Gly423Arg]IWSEWSEARS

ClinVar aggregate classification (germline): Uncertain significance (1 of 4 stars; one submission).

Conditions:
Surfactant metabolism dysfunction, pulmonary, 5 (SMDP5). Also called: PULMONARY ALVEOLAR PROTEINOSIS 5; PAP DUE TO CSF2RB DEFICIENCY; CSF2RB DEFICIENCY. Identifiers: Orphanet 264675, MedGen C3280574, MONDO:0013712, OMIM 614370.

Allele frequency attached by ClinVar (database versions not stated): gnomAD exomes below 0.00001; ExAC 0.00001; gnomAD 0.00001; TOPMed 0.00001; ESP Exome Variant Server 0.00008.
gnomAD v4.1: 3 of 1,612,712 alleles (0.00019%); highest among the groups gnomAD compares: Non-Finnish European, 0.00025%; no homozygotes.

Submission:

Johns Hopkins Genomics, Johns Hopkins University
Classification: Uncertain significance for Surfactant metabolism dysfunction, pulmonary, 5. Last evaluated: 2019-02-08. Review status: criteria provided, single submitter. Criteria: ACMG Guidelines, 2015. Collection method: clinical testing. Allele origin: germline.
Comment: CSF2RB c.1267 has not been reported in ClinVar nor the literature, to our knowledge. This variant (rs370411972) is rare in large population datasets (gnomAD: 1/249208 total alleles; 0.0004013%; no homozygotes). Two bioinformatic tools queried predict that this substitution would be probably damaging, and the glycine residue at this position is evolutionarily conserved across all species assessed. Bioinformatic analysis predicts that this variant would not affect normal exon 10 splicing, although this has not been confirmed experimentally to our knowledge. The clinical significance of c.1267G>A is uncertain at this time.